The following is an entry in ClinVar:

ClinVar aggregate classification (germline): Uncertain significance. Review status: criteria provided, multiple submitters, no conflicts (2 of 4 stars). 3 submissions from 3 submitters: Uncertain significance (3). Last evaluated 2026-01-01.

Allele frequency attached by ClinVar (database versions not stated): gnomAD exomes 0.00039 and 0.00053; TOPMed 0.00039; gnomAD 0.00048 and 0.00053; ExAC 0.00049; ESP Exome Variant Server 0.00092.
gnomAD v4.1: 830 of 1,611,314 alleles (0.052%); highest among the groups gnomAD compares: Non-Finnish European, 0.065%; no homozygotes.

Submissions (3):

CeGaT Center for Human Genetics Tuebingen
Classification: Uncertain significance. Last evaluated: 2026-01-01. Review status: criteria provided, single submitter. Criteria: CeGaT Center For Human Genetics Tuebingen Variant Classification Criteria Version 2. Collection method: clinical testing. Allele origin: germline. Affected: yes. Observed: 1 variant allele.
Comment: PIK3R5: PM2, BP4

Ambry Genetics
Classification: Uncertain significance. Last evaluated: 2024-10-09. Review status: criteria provided, single submitter. Criteria: Ambry Variant Classification Scheme 2023. Collection method: clinical testing. Allele origin: germline.

Eurofins Ntd Llc (ga)
Classification: Uncertain significance. Last evaluated: 2017-02-06. Review status: criteria provided, single submitter. Criteria: EGL Classification Definitions 2015. Collection method: clinical testing. Allele origin: germline. Observed: 1 variant allele, 1 heterozygote.

NM_001142633.3(PIK3R5):c.631G>A (p.Val211Ile)

Gene: PIK3R5 (phosphoinositide-3-kinase regulatory subunit 5; minus strand). Cytogenetic location: 17p13.1.
Variant type: single nucleotide variant.
Coding change: c.631G>A on transcript NM_001142633.3 (MANE Select); coding-DNA position 631, G replaced by A.
Protein change: p.Val211Ile; replaces valine 211 with isoleucine.
Molecular consequence: missense variant. On other transcripts: 5 prime UTR variant (7), intron variant (1).
Genome position (GRCh38, 1-based): chr17:8,890,764, C>T on the plus strand (G>A on the coding strand, the complement: PIK3R5 is on the minus strand). VCF-style: chr17-8890764-C-T. GRCh37 (hg19) VCF-style: chr17-8794081-C-T.
Other names: c.631G>A (NM_001142633.1); c.-590G>A (NM_001251851.2); c.-528G>A (NM_001251852.2, NM_001388397.1, NM_001388398.1 and 1 more transcripts); c.-374G>A (NM_001251853.2, NM_001388400.1); c.631G>A, p.Val211Ile (NM_001388396.1, NM_014308.4); c.-501-638G>A (NM_001251855.2); short protein forms V211I.
Identifiers: ClinVar variation 496953 (VCV000496953.12), dbSNP rs139892675, ClinGen allele CA8380741.